The following is an entry in ClinVar:

NM_001048174.2(MUTYH):c.887C>G (p.Ser296Trp)

Gene: MUTYH (mutY DNA glycosylase; minus strand). Cytogenetic location: 1p34.1.
Variant type: single nucleotide variant.
Coding change: c.887C>G on transcript NM_001048174.2 (MANE Select); coding-DNA position 887, C replaced by G.
Protein change: p.Ser296Trp; replaces serine 296 with tryptophan.
Molecular consequence: missense variant. On other transcripts: non-coding transcript variant (7).
Genome position (GRCh38, 1-based): chr1:45,332,049, G>C on the plus strand (C>G on the coding strand, the complement: MUTYH is on the minus strand). VCF-style: chr1-45332049-G-C. GRCh37 (hg19) VCF-style: chr1-45797721-G-C.
Other names: c.890C>G, p.Ser297Trp (NM_001407086.1, NM_001407078.1, NM_001048172.2 and 1 more transcripts); c.908C>G, p.Ser303Trp (NM_001407087.1); c.887C>G, p.Ser296Trp (NM_001407088.1, NM_001407089.1, NM_001407081.1 and 6 more transcripts); c.611C>G, p.Ser204Trp (NM_001407091.1, NM_001293192.2, NM_001293196.2); c.962C>G, p.Ser321Trp (NM_012222.3); c.848C>G, p.Ser283Trp (NM_001407079.1); c.845C>G, p.Ser282Trp (NM_001407080.1); c.542C>G, p.Ser181Trp (NM_001407082.1, NM_001350650.2, NM_001350651.2); and 5 more; short protein forms S268W, S303W, S311W, S321W, S204W, S282W, S307W, S296W.
Identifiers: ClinVar variation 4113969 (VCV004113969.1).

ClinVar aggregate classification (germline): Uncertain significance (1 of 4 stars; one submission).

Conditions:
Hereditary cancer-predisposing syndrome. Also called: Hereditary neoplastic syndrome; Neoplastic Syndromes, Hereditary; Tumor predisposition; Hereditary Cancer Syndrome. Identifiers: Orphanet 140162, MedGen C0027672, MeSH D009386, MONDO:0015356.

Submission:

Ambry Genetics
Classification: Uncertain significance for Hereditary cancer-predisposing syndrome. Last evaluated: 2025-08-27. Review status: criteria provided, single submitter. Criteria: Ambry Variant Classification Scheme 2023. Collection method: clinical testing. Allele origin: germline.
Comment: The p.S324W variant (also known as c.971C>G), located in coding exon 11 of the MUTYH gene, results from a C to G substitution at nucleotide position 971. The serine at codon 324 is replaced by tryptophan, an amino acid with highly dissimilar properties. This amino acid position is conserved. In addition, this alteration is predicted to be tolerated by in silico analysis. Based on the available evidence, the clinical significance of this variant remains unclear.